The following is an entry in ClinVar:

ClinVar aggregate classification (germline): Likely pathogenic. Review status: criteria provided, multiple submitters, no conflicts (2 of 4 stars). 2 submissions from 2 submitters: Likely pathogenic (2). Last evaluated 2024-03-29.

Conditions:
Autosomal recessive early-onset Parkinson disease 23. Identifiers: Orphanet 2828, MedGen C4225186, MONDO:0014796, OMIM 616840.

Allele frequency attached by ClinVar (database versions not stated): gnomAD exomes below 0.00001.
gnomAD v4.1: 1 of 1,551,914 alleles (0.000064%); highest among the groups gnomAD compares: Non-Finnish European, 0.000088%; no homozygotes.

Submissions (2):

Genomic Medicine Center of Excellence, King Faisal Specialist Hospital and Research Centre
Classification: Likely pathogenic for Autosomal recessive early-onset Parkinson disease 23. Last evaluated: 2024-03-29. Review status: criteria provided, single submitter. Criteria: ACMG Guidelines, 2015. Collection method: clinical testing. Allele origin: germline.

Labcorp Genetics (formerly Invitae), Labcorp
Classification: Likely pathogenic. Last evaluated: 2023-10-11. Review status: criteria provided, single submitter. Criteria: Invitae Variant Classification Sherloc (09022015). Collection method: clinical testing. Allele origin: germline.
Comment: This sequence change affects a donor splice site in intron 49 of the VPS13C gene. It is expected to disrupt RNA splicing. Variants that disrupt the donor or acceptor splice site typically lead to a loss of protein function (PMID: 16199547), and loss-of-function variants in VPS13C are known to be pathogenic (PMID: 26942284, 34875562). This variant is not present in population databases (gnomAD no frequency). This variant has not been reported in the literature in individuals affected with VPS13C-related conditions. Algorithms developed to predict the effect of sequence changes on RNA splicing suggest that this variant may disrupt the consensus splice site. In summary, the currently available evidence indicates that the variant is pathogenic, but additional data are needed to prove that conclusively. Therefore, this variant has been classified as Likely Pathogenic.

Literature cited by the submitters: PubMed 16199547 (cited by Labcorp Genetics (formerly Invitae), Labcorp); PubMed 26942284 (cited by Labcorp Genetics (formerly Invitae), Labcorp); PubMed 34875562 (cited by Labcorp Genetics (formerly Invitae), Labcorp).

NM_020821.3(VPS13C):c.5868+1G>A

Gene: VPS13C (vacuolar protein sorting 13 homolog C; minus strand). Cytogenetic location: 15q22.2.
Variant type: single nucleotide variant.
Coding change: c.5868+1G>A on transcript NM_020821.3 (MANE Select); the canonical splice donor site of the intron after coding-DNA position 5868, G replaced by A.
Molecular consequence: splice donor variant.
Genome position (GRCh38, 1-based): chr15:61,934,218, C>T on the plus strand (G>A on the coding strand, the complement: VPS13C is on the minus strand). VCF-style: chr15-61934218-C-T. GRCh37 (hg19) VCF-style: chr15-62226417-C-T.
Other names: c.5739+1G>A (NM_017684.5, NM_018080.4); c.5868+1G>A (NM_001018088.3).
Identifiers: ClinVar variation 2880695 (VCV002880695.4), dbSNP rs2547907419, ClinGen allele CA392688704.